The following is an entry in ClinVar:

NM_002335.4(LRP5):c.408C>A (p.Asn136Lys)

Gene: LRP5 (LDL receptor related protein 5; plus strand). Cytogenetic location: 11q13.2.
Variant type: single nucleotide variant.
Coding change: c.408C>A on transcript NM_002335.4 (MANE Select); coding-DNA position 408, C replaced by A.
Protein change: p.Asn136Lys; replaces asparagine 136 with lysine.
Molecular consequence: missense variant. On other transcripts: 5 prime UTR variant (1).
Genome position (GRCh38, 1-based): chr11:68,348,163, C>A. VCF-style: chr11-68348163-C-A. GRCh37 (hg19) VCF-style: chr11-68115631-C-A.
Other names: c.-1358C>A (NM_001291902.2); short protein forms N136K.
Identifiers: ClinVar variation 853561 (VCV000853561.12), dbSNP rs752352965, ClinGen allele CA6148982.
Genomic context (GRCh38, chr11:68,348,163, plus strand): 5'-CTGGGTGGGCAAGAAGCTGTACTGGACGGACTCAGAGACCAACCGCATCGAGGTGGCCAA[C>A]CTCAATGGCACATCCCGGAAGGTGCTCTTCTGGCAGGACCTTGACCAGCCGAGGGCCATC-3'
Protein context (NP_002326.2, residues 126-146): DSETNRIEVA[Asn136Lys]LNGTSRKVLF

ClinVar aggregate classification (germline): Uncertain significance. Review status: criteria provided, multiple submitters, no conflicts (2 of 4 stars). 2 submissions from 2 submitters: Uncertain significance (2). Last evaluated 2025-11-18.

Conditions:
Osteoporosis with pseudoglioma (OPPG). Also called: osteoporosis-pseudoglioma syndrome. Identifiers: Orphanet 2788, MedGen C0432252, MONDO:0009820, OMIM 259770.
Autosomal dominant osteopetrosis 1 (OPTA1). Also called: OSTEOPETROSIS, AUTOSOMAL DOMINANT, TYPE I. Identifiers: Orphanet 2783, MedGen C1843330, MONDO:0011877, OMIM 607634.
Bone mineral density quantitative trait locus 1 (BMND1). Identifiers: MedGen C1866079, OMIM 601884.
Worth disease. Also called: OSTEOSCLEROSIS, AUTOSOMAL DOMINANT; Autosomal dominant osteosclerosis, Worth type; ENDOSTEAL HYPEROSTOSIS, AUTOSOMAL DOMINANT. Identifiers: Orphanet 2790, MedGen C0432273, MONDO:0007764, OMIM 144750.
Polycystic liver disease 4 with or without kidney cysts. Identifiers: MedGen C4693479, MONDO:0044327, OMIM 617875.
Exudative vitreoretinopathy 4 (EVR4). Identifiers: Orphanet 891, MedGen C1866176, MONDO:0011151, OMIM 601813.

Allele frequency attached by ClinVar (database versions not stated): ExAC 0.00001; gnomAD exomes 0.00001; TOPMed 0.00001; gnomAD 0.00003.
gnomAD v4.1: 26 of 1,613,756 alleles (0.0016%); highest among the groups gnomAD compares: Non-Finnish European, 0.0021%; no homozygotes.

Submissions (2):

Labcorp Genetics (formerly Invitae), Labcorp
Classification: Uncertain significance. Last evaluated: 2025-11-18. Review status: criteria provided, single submitter. Criteria: Invitae Variant Classification Sherloc (09022015). Collection method: clinical testing. Allele origin: germline.
Comment: This sequence change replaces asparagine, which is neutral and polar, with lysine, which is basic and polar, at codon 136 of the LRP5 protein (p.Asn136Lys). This variant is present in population databases (rs752352965, gnomAD 0.003%). This missense change has been observed in individual(s) with osteoporosis (PMID: 33939331, 39316135). ClinVar contains an entry for this variant (Variation ID: 853561). Invitae Evidence Modeling of protein sequence and biophysical properties (such as structural, functional, and spatial information, amino acid conservation, physicochemical variation, residue mobility, and thermodynamic stability) indicates that this missense variant is not expected to disrupt LRP5 protein function with a negative predictive value of 95%. In summary, the available evidence is currently insufficient to determine the role of this variant in disease. Therefore, it has been classified as a Variant of Uncertain Significance.

Fulgent Genetics
Classification: Uncertain significance for Worth disease; Osteoporosis with pseudoglioma; Exudative vitreoretinopathy 4; Bone mineral density quantitative trait locus 1; Autosomal dominant osteopetrosis 1; Polycystic liver disease 4 with or without kidney cysts. Last evaluated: 2024-04-20. Review status: criteria provided, single submitter. Criteria: ACMG Guidelines, 2015. Collection method: clinical testing. Allele origin: germline.

Literature cited by the submitters: PubMed 33939331 (cited by Labcorp Genetics (formerly Invitae), Labcorp); PubMed 39316135 (cited by Labcorp Genetics (formerly Invitae), Labcorp).